The following is an entry in ClinVar:

ClinVar aggregate classification (germline): Uncertain significance. Review status: criteria provided, single submitter (1 of 4 stars). 2 submissions from 2 submitters: Uncertain significance (1). 1 of the submissions does not count toward it. Last evaluated 2017-09-05.

Conditions:
Primary ciliary dyskinesia. Also called: Ciliary dyskinesia. Identifiers: Orphanet 244, MedGen C0008780, MONDO:0016575, HP:0012265.

Allele frequency attached by ClinVar (database versions not stated): gnomAD exomes below 0.00001 and 0.00001; ExAC 0.00002.
gnomAD v4.1: 4 of 1,614,148 alleles (0.00025%); highest among the groups gnomAD compares: South Asian, 0.0022%; no homozygotes.

Submissions (2):

Labcorp Genetics (formerly Invitae), Labcorp
Classification: Uncertain significance for Primary ciliary dyskinesia. Last evaluated: 2017-09-05. Review status: criteria provided, single submitter. Criteria: Invitae Variant Classification Sherloc (09022015). Collection method: clinical testing. Allele origin: germline.
Comment: This sequence change replaces isoleucine with threonine at codon 2716 of the DNAH5 protein (p.Ile2716Thr). The isoleucine residue is highly conserved and there is a moderate physicochemical difference between isoleucine and threonine. This variant is present in population databases (rs746501395, ExAC 0.003%). This variant has not been reported in the literature in individuals with DNAH5-related disease. Algorithms developed to predict the effect of missense changes on protein structure and function do not agree on the potential impact of this missense change (SIFT: "Deleterious"; PolyPhen-2: "Benign"; Align-GVGD: "Class C65"). In summary, the available evidence is currently insufficient to determine the role of this variant in disease. Therefore, it has been classified as a Variant of Uncertain Significance.

Yale Center for Mendelian Genomics, Yale University
Classification: Likely pathogenic for Primary ciliary dyskinesia. Last evaluated: 2018-08-01. Review status: no assertion criteria provided. Collection method: literature only. Allele origin: germline. Affected: yes. Observed: 1 compound heterozygote. Study: Yale Center for Mendelian Genomics. Not counted in ClinVar's aggregate classification.

Literature cited by the submitters: PubMed 30067075 (cited by Yale Center for Mendelian Genomics, Yale University).

NM_001369.3(DNAH5):c.8147T>C (p.Ile2716Thr)

Gene: DNAH5 (dynein axonemal heavy chain 5; minus strand). Cytogenetic location: 5p15.2.
Variant type: single nucleotide variant.
Coding change: c.8147T>C on transcript NM_001369.3 (MANE Select); coding-DNA position 8147, T replaced by C.
Protein change: p.Ile2716Thr; replaces isoleucine 2716 with threonine.
Molecular consequence: missense variant.
Genome position (GRCh38, 1-based): chr5:13,793,592, A>G on the plus strand (T>C on the coding strand, the complement: DNAH5 is on the minus strand). VCF-style: chr5-13793592-A-G. GRCh37 (hg19) VCF-style: chr5-13793701-A-G.
Other names: short protein forms I2716T.
Identifiers: ClinVar variation 525431 (VCV000525431.8), dbSNP rs746501395, ClinGen allele CA3202889.